The following is an entry in ClinVar:

ClinVar aggregate classification (germline): Conflicting classifications of pathogenicity. Review status: criteria provided, conflicting classifications (1 of 4 stars). 16 submissions from 15 submitters: Uncertain significance (1); Benign (10); Likely benign (4). 1 of the submissions does not count toward it. Last evaluated 2026-02-03.

Conditions:
Hereditary cancer-predisposing syndrome. Also called: Hereditary Cancer Syndrome; Tumor predisposition; Neoplastic Syndromes, Hereditary; Hereditary neoplastic syndrome. Identifiers: Orphanet 140162, MedGen C0027672, MeSH D009386, MONDO:0015356.
Lymphangiomyomatosis (LAM). Also called: Lymphangioleiomyomatosis; Lymphangioleiomyomatosis, somatic. Identifiers: Orphanet 538, MedGen C0751674, MONDO:0011705, OMIM 606690.
Isolated focal cortical dysplasia type II (FCORD2). Also called: CORTICAL DYSPLASIA OF TAYLOR; Focal cortical dysplasia type II. Identifiers: Orphanet 268994, MedGen C1846385, MONDO:0011818, OMIM 607341, HP:0032051.
Tuberous sclerosis 1 (TSC1). Identifiers: Orphanet 805, MedGen C1854465, MONDO:0008612, OMIM 191100.
Tuberous sclerosis syndrome (TSC). Also called: Tuberous Sclerosis Complex; Tuberous sclerosis. Identifiers: Orphanet 805, MedGen C0041341, MONDO:0001734.

Allele frequency attached by ClinVar (database versions not stated): gnomAD 0.00007 and 0.00033; ESP Exome Variant Server 0.00008; TOPMed 0.00009; gnomAD exomes 0.00045 and 0.00093; ExAC 0.00100; 1000 Genomes Project 30x 0.00172; 1000 Genomes Project 0.00220.
gnomAD v4.1: 710 of 1,614,176 alleles (0.044%); highest among the groups gnomAD compares: South Asian, 0.7%; 13 homozygotes.

Submissions (16):

Labcorp Genetics (formerly Invitae), Labcorp
Classification: Benign for Tuberous sclerosis 1. Last evaluated: 2026-02-03. Review status: criteria provided, single submitter. Criteria: Invitae Variant Classification Sherloc (09022015). Collection method: clinical testing. Allele origin: germline.

CeGaT Center for Human Genetics Tuebingen
Classification: Benign. Last evaluated: 2026-01-01. Review status: criteria provided, single submitter. Criteria: CeGaT Center For Human Genetics Tuebingen Variant Classification Criteria Version 2. Collection method: clinical testing. Allele origin: germline. Affected: yes. Observed: 5 variant alleles.
Comment: TSC1: BP4, BP7, BS1, BS2

Myriad Genetics, Inc.
Classification: Benign for Tuberous sclerosis 1. Last evaluated: 2025-04-30. Review status: criteria provided, single submitter. Criteria: Myriad Autosomal Dominant, Autosomal Recessive and X-Linked Classification Criteria (2023). Collection method: clinical testing. Allele origin: unknown.
Comment: This variant is considered benign. This variant is a silent/synonymous amino acid change and it is not expected to impact splicing.

Blueprint Genetics
Classification: Likely benign. Last evaluated: 2024-10-10. Review status: criteria provided, single submitter. Criteria: ACMG Guidelines, 2015. Collection method: clinical testing. Allele origin: germline.

All of Us Research Program, National Institutes of Health
Classification: Benign for Tuberous sclerosis syndrome. Last evaluated: 2024-02-05. Review status: criteria provided, single submitter. Criteria: ACMG Guidelines, 2015. Collection method: clinical testing. Allele origin: germline. Inheritance: Autosomal dominant inheritance. Observed: 30 variant alleles, 29 heterozygotes, 1 homozygote.
Comment: This study involves interpretation of variants in research participants for the purpose of population health screening. Participant phenotype was not available at the time of variant classification. Additional details can be found in publication PMID: 35346344, PMCID: PMC8962531

Color Diagnostics, LLC DBA Color Health
Classification: Benign for Tuberous sclerosis syndrome. Last evaluated: 2022-09-20. Review status: criteria provided, single submitter. Criteria: ACMG Guidelines, 2015. Collection method: clinical testing. Allele origin: germline.

Department of Pathology and Laboratory Medicine, Sinai Health System
Classification: Benign for Tuberous sclerosis 1; Lymphangiomyomatosis; Isolated focal cortical dysplasia type II. Last evaluated: 2022-04-28. Review status: criteria provided, single submitter. Criteria: ACMG Guidelines, 2015. Collection method: clinical testing. Allele origin: germline. Affected: yes.

Genome-Nilou Lab
Classification: Benign for Tuberous sclerosis 1. Last evaluated: 2021-11-07. Review status: criteria provided, single submitter. Criteria: ACMG Guidelines, 2015. Collection method: clinical testing. Allele origin: germline. Affected: no.

Sema4
Classification: Benign for Hereditary cancer-predisposing syndrome. Last evaluated: 2020-08-26. Review status: criteria provided, single submitter. Criteria: Sema4 Curation Guidelines. Collection method: curation. Allele origin: germline.

Illumina Laboratory Services, Illumina
Classification: Likely benign for Tuberous sclerosis 1. Last evaluated: 2017-04-27. Review status: criteria provided, single submitter. Criteria: ICSL Variant Classification Criteria 13 December 2019. Collection method: clinical testing. Allele origin: germline.
Comment: This variant was observed as part of a predisposition screen in an ostensibly healthy population. A literature search was performed for the gene, cDNA change, and amino acid change (where applicable). No publications were found based on this search. Allele frequency data from public databases allowed determination this variant is unlikely to cause disease. Therefore, this variant is classified as likely benign.

Illumina Laboratory Services, Illumina
Classification: Likely benign for Isolated focal cortical dysplasia type II. Last evaluated: 2017-04-27. Review status: criteria provided, single submitter. Criteria: ICSL Variant Classification Criteria 13 December 2019. Collection method: clinical testing. Allele origin: germline.
Comment: the same text as in the submission from Illumina Laboratory Services, Illumina above.

Ambry Genetics
Classification: Benign for Hereditary cancer-predisposing syndrome. Last evaluated: 2016-06-06. Review status: criteria provided, single submitter. Criteria: Ambry Variant Classification Scheme 2023. Collection method: clinical testing. Allele origin: germline.

Eurofins Ntd Llc (ga)
Classification: Likely benign. Last evaluated: 2016-01-28. Review status: criteria provided, single submitter. Criteria: EGL Classification Definitions 2015. Collection method: clinical testing. Allele origin: germline. Observed: 1 variant allele, 1 heterozygote.

Genetic Services Laboratory, University of Chicago
Classification: Uncertain significance. Last evaluated: 2015-05-15. Review status: criteria provided, single submitter. Criteria: ACMG Guidelines, 2015. Collection method: clinical testing. Allele origin: germline.

GeneDx
Classification: Benign. Last evaluated: 2013-09-10. Review status: criteria provided, single submitter. Criteria: GeneDx Variant Classification (06012015). Collection method: clinical testing. Allele origin: germline. Affected: yes.
Comment: This variant is considered likely benign or benign based on one or more of the following criteria: it is a conservative change, it occurs at a poorly conserved position in the protein, it is predicted to be benign by multiple in silico algorithms, and/or has population frequency not consistent with disease.

Tuberous sclerosis database (TSC1)
No classification provided. Condition: TSC. Review status: no classification provided. Criteria: Tuberous Sclerosis Database Assertion Criteria 2015. Collection method: curation. Allele origin: germline. Affected: yes. Not counted in ClinVar's aggregate classification.

NM_000368.5(TSC1):c.3387C>T (p.Ala1129=)

Gene: TSC1 (TSC complex subunit 1; minus strand). Cytogenetic location: 9q34.13.
Variant type: single nucleotide variant.
Coding change: c.3387C>T on transcript NM_000368.5 (MANE Select); coding-DNA position 3387, C replaced by T.
Protein change: p.Ala1129=; no amino-acid change (alanine 1129 retained).
Molecular consequence: synonymous variant.
Genome position (GRCh38, 1-based): chr9:132,896,343, G>A on the plus strand (C>T on the coding strand, the complement: TSC1 is on the minus strand). VCF-style: chr9-132896343-G-A. GRCh37 (hg19) VCF-style: chr9-135771730-G-A.
Other names: p.A1129A:GCC>GCT; c.3384C>T, p.Ala1128= (NM_001162426.2); c.3234C>T, p.Ala1078= (NM_001162427.2); c.3024C>T, p.Ala1008= (NM_001362177.2).
Identifiers: ClinVar variation 64816 (VCV000064816.58), dbSNP rs200200869, ClinGen allele CA007340.